The following is an entry in ClinVar:

NM_001170629.2(CHD8):c.5183C>G (p.Ala1728Gly)

Gene: CHD8 (chromodomain helicase DNA binding protein 8; minus strand). Cytogenetic location: 14q11.2.
Variant type: single nucleotide variant.
Coding change: c.5183C>G on transcript NM_001170629.2 (MANE Select); coding-DNA position 5183, C replaced by G.
Protein change: p.Ala1728Gly; replaces alanine 1728 with glycine.
Molecular consequence: missense variant.
Genome position (GRCh38, 1-based): chr14:21,395,119, G>C on the plus strand (C>G on the coding strand, the complement: CHD8 is on the minus strand). VCF-style: chr14-21395119-G-C. GRCh37 (hg19) VCF-style: chr14-21863278-G-C.
Other names: c.4346C>G, p.Ala1449Gly (NM_020920.4); short protein forms A1449G, A1728G.
Identifiers: ClinVar variation 3675053 (VCV003675053.2).
Genomic context (GRCh38, chr14:21,395,119, plus strand): 5'-CTAGCTGTTAGGGCAGAGCCCGGAGGCCAGAATAAATGGCCTGGCTGTTGGGTCACCTGG[G>C]CTGTGGAAAACAAAGTAGAATGAATAGGAAGTATAGCAAGGGTAGTAGAGGCAATACTAG-3'
Protein context (NP_001164100.1, residues 1718-1738): EEISVIDGDE[Ala1728Gly]QVTQQPGHLF

ClinVar aggregate classification (germline): Uncertain significance (1 of 4 stars; one submission).

gnomAD v4.1: 5 of 1,612,942 alleles (0.00031%); highest among the groups gnomAD compares: Non-Finnish European, 0.00042%; no homozygotes.

Submission:

Labcorp Genetics (formerly Invitae), Labcorp
Classification: Uncertain significance. Last evaluated: 2024-12-19. Review status: criteria provided, single submitter. Criteria: Invitae Variant Classification Sherloc (09022015). Collection method: clinical testing. Allele origin: germline.
Comment: This sequence change replaces alanine, which is neutral and non-polar, with glycine, which is neutral and non-polar, at codon 1728 of the CHD8 protein (p.Ala1728Gly). This variant is not present in population databases (gnomAD no frequency). This variant has not been reported in the literature in individuals affected with CHD8-related conditions. Invitae Evidence Modeling of protein sequence and biophysical properties (such as structural, functional, and spatial information, amino acid conservation, physicochemical variation, residue mobility, and thermodynamic stability) indicates that this missense variant is not expected to disrupt CHD8 protein function with a negative predictive value of 95%. In summary, the available evidence is currently insufficient to determine the role of this variant in disease. Therefore, it has been classified as a Variant of Uncertain Significance.